The following is an entry in ClinVar:

ClinVar aggregate classification (germline): Likely pathogenic (1 of 4 stars; one submission).

Conditions:
NRAP-related disorder. Also called: NRAP-related condition.

Allele frequency attached by ClinVar (database versions not stated): gnomAD exomes below 0.00001; gnomAD 0.00001.
gnomAD v4.1: 4 of 1,605,780 alleles (0.00025%); highest among the groups gnomAD compares: Non-Finnish European, 0.00034%; no homozygotes.

Submission:

PreventionGenetics, part of Exact Sciences
Classification: Likely pathogenic for NRAP-related condition. Last evaluated: 2023-03-09. Review status: criteria provided, single submitter. Criteria: ACMG Guidelines, 2015. Collection method: clinical testing. Allele origin: germline.
Comment: The NRAP c.1843-2A>G variant is predicted to disrupt the AG splice acceptor site and interfere with normal splicing. To our knowledge, this variant has not been reported in the literature or in a large population database, indicating this variant is rare. Variants that disrupt the consensus splice acceptor site in NRAP are expected to be pathogenic. This variant is interpreted as likely pathogenic.

NM_198060.4(NRAP):c.1843-2A>G

Gene: NRAP (nebulin related anchoring protein; minus strand). Cytogenetic location: 10q25.3.
Variant type: single nucleotide variant.
Coding change: c.1843-2A>G on transcript NM_198060.4 (MANE Select); the canonical splice acceptor site of the intron before coding-DNA position 1843, A replaced by G.
Molecular consequence: splice acceptor variant.
Genome position (GRCh38, 1-based): chr10:113,629,787, T>C on the plus strand (A>G on the coding strand, the complement: NRAP is on the minus strand). VCF-style: chr10-113629787-T-C. GRCh37 (hg19) VCF-style: chr10-115389546-T-C.
Other names: c.1738-2A>G (NM_006175.5); c.1843-2A>G (NM_001322945.2, NM_001261463.2).
Identifiers: ClinVar variation 2629310 (VCV002629310.1), dbSNP rs1592806462, ClinGen allele CA378418753.